The following is an entry in ClinVar:

NM_130837.3(OPA1):c.1764G>T (p.Met588Ile)

Genes: OPA1 (OPA1 mitochondrial dynamin like GTPase; plus strand), LOC126806913 (BRD4-independent group 4 enhancer GRCh37_chr3:193364377-193365576; plus strand). Cytogenetic location: 3q29.
Variant type: single nucleotide variant.
Coding change: c.1764G>T on transcript NM_130837.3 (MANE Select); coding-DNA position 1764, G replaced by T.
Protein change: p.Met588Ile; replaces methionine 588 with isoleucine.
Molecular consequence: missense variant.
Genome position (GRCh38, 1-based): chr3:193,647,074, G>T. VCF-style: chr3-193647074-G-T. GRCh37 (hg19) VCF-style: chr3-193364863-G-T.
Other names: c.1230G>T, p.Met410Ile (NM_001354663.2); c.1227G>T, p.Met409Ile (NM_001354664.2); c.1599G>T, p.Met533Ile (NM_015560.3); c.1491G>T, p.Met497Ile (NM_130831.3); c.1545G>T, p.Met515Ile (NM_130832.3); c.1602G>T, p.Met534Ile (NM_130833.3); c.1653G>T, p.Met551Ile (NM_130834.3); c.1656G>T, p.Met552Ile (NM_130835.3); and 1 more; short protein forms M409I, M410I, M497I, M515I, M533I, M534I, M551I, M552I.
Identifiers: ClinVar variation 3622096 (VCV003622096.3).

ClinVar aggregate classification (germline): Uncertain significance. Review status: criteria provided, multiple submitters, no conflicts (2 of 4 stars). 2 submissions from 2 submitters: Uncertain significance (2). Last evaluated 2025-06-20.

Conditions:
OPA1-related disorder. Also called: OPA1-related condition; OPA1-related disorders.

Submissions (2):

PreventionGenetics, part of Exact Sciences
Classification: Uncertain significance for OPA1-related condition. Last evaluated: 2025-06-20. Review status: criteria provided, single submitter. Criteria: ACMG Guidelines, 2015. Collection method: clinical testing. Allele origin: germline.
Comment: The OPA1 c.1764G>T variant is predicted to result in the amino acid substitution p.Met588Ile. To our knowledge, this variant has not been reported in the literature. This variant is reported in 0.0065% of alleles in individuals of European (Non-Finnish) descent in gnomAD. At this time, the clinical significance of this variant is uncertain due to the absence of conclusive functional and genetic evidence.

Labcorp Genetics (formerly Invitae), Labcorp
Classification: Uncertain significance. Last evaluated: 2024-08-28. Review status: criteria provided, single submitter. Criteria: Invitae Variant Classification Sherloc (09022015). Collection method: clinical testing. Allele origin: germline.
Comment: This sequence change replaces methionine, which is neutral and non-polar, with isoleucine, which is neutral and non-polar, at codon 533 of the OPA1 protein (p.Met533Ile). This variant is present in population databases (no rsID available, gnomAD 0.007%). This variant has not been reported in the literature in individuals affected with OPA1-related conditions. Invitae Evidence Modeling of protein sequence and biophysical properties (such as structural, functional, and spatial information, amino acid conservation, physicochemical variation, residue mobility, and thermodynamic stability) indicates that this missense variant is not expected to disrupt OPA1 protein function with a negative predictive value of 80%. In summary, the available evidence is currently insufficient to determine the role of this variant in disease. Therefore, it has been classified as a Variant of Uncertain Significance.